The following is an entry in ClinVar:

ClinVar aggregate classification (germline): Uncertain significance. Review status: criteria provided, multiple submitters, no conflicts (2 of 4 stars). 2 submissions from 2 submitters: Uncertain significance (2). Last evaluated 2023-12-21.

Allele frequency attached by ClinVar (database versions not stated): gnomAD 0.00004.
gnomAD v4.1: 10 of 1,613,230 alleles (0.00062%); highest among the groups gnomAD compares: Admixed American, 0.005%; no homozygotes.

Submissions (2):

Ambry Genetics
Classification: Uncertain significance. Last evaluated: 2023-12-21. Review status: criteria provided, single submitter. Criteria: Ambry Variant Classification Scheme 2023. Collection method: clinical testing. Allele origin: germline.

Labcorp Genetics (formerly Invitae), Labcorp
Classification: Uncertain significance. Last evaluated: 2021-12-25. Review status: criteria provided, single submitter. Criteria: Invitae Variant Classification Sherloc (09022015). Collection method: clinical testing. Allele origin: germline.
Comment: This sequence change replaces histidine, which is basic and polar, with glutamine, which is neutral and polar, at codon 105 of the MSMO1 protein (p.His105Gln). This variant is not present in population databases (gnomAD no frequency). This variant has not been reported in the literature in individuals affected with MSMO1-related conditions. Algorithms developed to predict the effect of missense changes on protein structure and function are either unavailable or do not agree on the potential impact of this missense change (SIFT: "Deleterious"; PolyPhen-2: "Benign"; Align-GVGD: "Class C15"). In summary, the available evidence is currently insufficient to determine the role of this variant in disease. Therefore, it has been classified as a Variant of Uncertain Significance.

NM_006745.5(MSMO1):c.315C>A (p.His105Gln)

Gene: MSMO1 (methylsterol monooxygenase 1; plus strand). Cytogenetic location: 4q32.3.
Variant type: single nucleotide variant.
Coding change: c.315C>A on transcript NM_006745.5 (MANE Select); coding-DNA position 315, C replaced by A.
Protein change: p.His105Gln; replaces histidine 105 with glutamine.
Molecular consequence: missense variant. On other transcripts: 5 prime UTR variant (1).
Genome position (GRCh38, 1-based): chr4:165,337,848, C>A. VCF-style: chr4-165337848-C-A. GRCh37 (hg19) VCF-style: chr4-166259000-C-A.
Other names: c.315C>A (NM_006745.4); c.-79C>A (NM_001017369.3); short protein forms H105Q.
Identifiers: ClinVar variation 2067304 (VCV002067304.5), dbSNP rs1304406584, ClinGen allele CA358685306.